The following is an entry in ClinVar:

ClinVar aggregate classification (germline): Uncertain significance. Review status: criteria provided, multiple submitters, no conflicts (2 of 4 stars). 2 submissions from 2 submitters: Uncertain significance (2). Last evaluated 2025-01-07.

Conditions:
Inborn genetic diseases. Identifiers: MedGen C0950123, MeSH D030342.
Immunodeficiency, common variable, 10. Also called: DEFICIT IN ANTERIOR PITUITARY FUNCTION AND VARIABLE IMMUNODEFICIENCY; IMMUNODEFICIENCY, COMMON VARIABLE, WITH CENTRAL ADRENAL INSUFFICIENCY. Identifiers: MedGen C3809991, MONDO:0014260, OMIM 615577.

Allele frequency attached by ClinVar (database versions not stated): gnomAD 0.00001; TOPMed 0.00002; ExAC 0.00003; gnomAD exomes 0.00004 and 0.00005.
gnomAD v4.1: 58 of 1,613,116 alleles (0.0036%); highest among the groups gnomAD compares: East Asian, 0.12%; 1 homozygote.

Submissions (2):

Labcorp Genetics (formerly Invitae), Labcorp
Classification: Uncertain significance for Immunodeficiency, common variable, 10. Last evaluated: 2025-01-07. Review status: criteria provided, single submitter. Criteria: Invitae Variant Classification Sherloc (09022015). Collection method: clinical testing. Allele origin: germline.
Comment: This sequence change replaces alanine, which is neutral and non-polar, with threonine, which is neutral and polar, at codon 572 of the NFKB2 protein (p.Ala572Thr). This variant is present in population databases (rs774941850, gnomAD 0.07%), and has an allele count higher than expected for a pathogenic variant. This variant has not been reported in the literature in individuals affected with NFKB2-related conditions. ClinVar contains an entry for this variant (Variation ID: 1419087). An algorithm developed to predict the effect of missense changes on protein structure and function (PolyPhen-2) suggests that this variant¬†is likely to be tolerated. In summary, the available evidence is currently insufficient to determine the role of this variant in disease. Therefore, it has been classified as a Variant of Uncertain Significance.

Ambry Genetics
Classification: Uncertain significance for Inborn genetic diseases. Last evaluated: 2024-02-12. Review status: criteria provided, single submitter. Criteria: Ambry Variant Classification Scheme 2023. Collection method: clinical testing. Allele origin: germline.

NM_001322934.2(NFKB2):c.1714G>A (p.Ala572Thr)

Gene: NFKB2 (nuclear factor kappa B subunit 2; plus strand). Cytogenetic location: 10q24.32.
Variant type: single nucleotide variant.
Coding change: c.1714G>A on transcript NM_001322934.2 (MANE Select); coding-DNA position 1714, G replaced by A.
Protein change: p.Ala572Thr; replaces alanine 572 with threonine.
Molecular consequence: missense variant.
Genome position (GRCh38, 1-based): chr10:102,400,407, G>A. VCF-style: chr10-102400407-G-A. GRCh37 (hg19) VCF-style: chr10-104160164-G-A.
Other names: c.1714G>A, p.Ala572Thr (NM_001077494.3, NM_001261403.3, NM_001288724.1 and 1 more transcripts); c.1588G>A, p.Ala530Thr (NM_001322935.1); c.1714G>A (NM_001077494.1); short protein forms A530T, A572T.
Identifiers: ClinVar variation 1419087 (VCV001419087.6), dbSNP rs774941850, ClinGen allele CA5664881.